The following is an entry in ClinVar:

ClinVar aggregate classification (germline): Uncertain significance (1 of 4 stars; one submission).

Submission:

GeneDx
Classification: Uncertain significance. Last evaluated: 2025-01-15. Review status: criteria provided, single submitter. Criteria: GeneDx Variant Classification Process June 2021. Collection method: clinical testing. Allele origin: germline. Affected: yes.
Comment: Not observed at significant frequency in large population cohorts (gnomAD); In silico analysis supports that this missense variant has a deleterious effect on protein structure/function; Has not been previously published as pathogenic or benign to our knowledge; Variants in candidate genes are classified as variants of uncertain significance in accordance with ACMG guidelines (PMID: 25741868)

NM_012141.3(INTS6):c.617G>A (p.Arg206His)

Gene: INTS6 (integrator complex subunit 6; minus strand). Cytogenetic location: 13q14.3.
Variant type: single nucleotide variant.
Coding change: c.617G>A on transcript NM_012141.3 (MANE Select); coding-DNA position 617, G replaced by A.
Protein change: p.Arg206His; replaces arginine 206 with histidine.
Molecular consequence: missense variant.
Genome position (GRCh38, 1-based): chr13:51,389,441, C>T on the plus strand (G>A on the coding strand, the complement: INTS6 is on the minus strand). VCF-style: chr13-51389441-C-T. GRCh37 (hg19) VCF-style: chr13-51963577-C-T.
Other names: c.578G>A, p.Arg193His (NM_001039937.2); c.83G>A, p.Arg28His (NM_001306091.2); short protein forms R193H, R206H, R28H.
Identifiers: ClinVar variation 4529751 (VCV004529751.1).